The following is an entry in ClinVar:

NM_144687.4(NLRP12):c.1176G>C (p.Arg392Ser)

Gene: NLRP12 (NLR family pyrin domain containing 12; minus strand). Cytogenetic location: 19q13.42.
Variant type: single nucleotide variant.
Coding change: c.1176G>C on transcript NM_144687.4 (MANE Select); coding-DNA position 1176, G replaced by C.
Protein change: p.Arg392Ser; replaces arginine 392 with serine.
Molecular consequence: missense variant.
Genome position (GRCh38, 1-based): chr19:53,810,483, C>G on the plus strand (G>C on the coding strand, the complement: NLRP12 is on the minus strand). VCF-style: chr19-53810483-C-G. GRCh37 (hg19) VCF-style: chr19-54313737-C-G.
Other names: c.1176G>C, p.Arg392Ser (NM_001277126.2, NM_001277129.1); short protein forms R392S.
Identifiers: ClinVar variation 3671074 (VCV003671074.2).

ClinVar aggregate classification (germline): Uncertain significance (1 of 4 stars; one submission).

Conditions:
Familial cold autoinflammatory syndrome 2 (FCAS2). Identifiers: Orphanet 247868, MedGen C2673198, MONDO:0012724, OMIM 611762.

gnomAD v4.1: 1 of 1,614,088 alleles (0.000062%); highest among the groups gnomAD compares: Non-Finnish European, 0.000085%; no homozygotes.

Submission:

Labcorp Genetics (formerly Invitae), Labcorp
Classification: Uncertain significance for Familial cold autoinflammatory syndrome 2. Last evaluated: 2024-07-27. Review status: criteria provided, single submitter. Criteria: Invitae Variant Classification Sherloc (09022015). Collection method: clinical testing. Allele origin: germline.
Comment: This sequence change replaces arginine, which is basic and polar, with serine, which is neutral and polar, at codon 392 of the NLRP12 protein (p.Arg392Ser). This variant is not present in population databases (gnomAD no frequency). This variant has not been reported in the literature in individuals affected with NLRP12-related conditions. Advanced modeling of protein sequence and biophysical properties (such as structural, functional, and spatial information, amino acid conservation, physicochemical variation, residue mobility, and thermodynamic stability) performed at Invitae indicates that this missense variant is not expected to disrupt NLRP12 protein function with a negative predictive value of 80%. In summary, the available evidence is currently insufficient to determine the role of this variant in disease. Therefore, it has been classified as a Variant of Uncertain Significance.